The following is an entry in ClinVar:

NM_001277115.2(DNAH11):c.10333-1G>C

Gene: DNAH11 (dynein axonemal heavy chain 11; plus strand). Cytogenetic location: 7p15.3.
Variant type: single nucleotide variant.
Coding change: c.10333-1G>C on transcript NM_001277115.2 (MANE Select); the canonical splice acceptor site of the intron before coding-DNA position 10333, G replaced by C.
Molecular consequence: splice acceptor variant.
Genome position (GRCh38, 1-based): chr7:21,816,466, G>C. VCF-style: chr7-21816466-G-C. GRCh37 (hg19) VCF-style: chr7-21856084-G-C.
Identifiers: ClinVar variation 2887101 (VCV002887101.3), dbSNP rs769279343, ClinGen allele CA4182337.

ClinVar aggregate classification (germline): Pathogenic (1 of 4 stars; one submission).

Conditions:
Primary ciliary dyskinesia. Also called: Ciliary dyskinesia. Identifiers: Orphanet 244, MedGen C0008780, MONDO:0016575, HP:0012265.

Allele frequency attached by ClinVar (database versions not stated): gnomAD 0.00001; ExAC 0.00002; gnomAD exomes 0.00002; TOPMed 0.00002.
gnomAD v4.1: 24 of 1,596,158 alleles (0.0015%); highest among the groups gnomAD compares: Non-Finnish European, 0.002%; no homozygotes.

Submission:

Labcorp Genetics (formerly Invitae), Labcorp
Classification: Pathogenic for Primary ciliary dyskinesia. Last evaluated: 2025-10-09. Review status: criteria provided, single submitter. Criteria: Invitae Variant Classification Sherloc (09022015). Collection method: clinical testing. Allele origin: germline.
Comment: This sequence change affects an acceptor splice site in intron 63 of the DNAH11 gene. It is expected to disrupt RNA splicing. Variants that disrupt the donor or acceptor splice site typically lead to a loss of protein function (PMID: 16199547), and loss-of-function variants in DNAH11 are known to be pathogenic (PMID: 18022865, 20513915, 22184204). The frequency data for this variant in the population databases is considered unreliable, as metrics indicate poor data quality at this position in the gnomAD database. Disruption of this splice site has been observed in individual(s) with clinical features of primary ciliary dyskinesia (internal data). ClinVar contains an entry for this variant (Variation ID: 2887101). Algorithms developed to predict the effect of sequence changes on RNA splicing suggest that this variant may disrupt the consensus splice site. For these reasons, this variant has been classified as Pathogenic.

Literature cited by the submitters: PubMed 16199547; PubMed 18022865; PubMed 20513915; PubMed 22184204.